The following is an entry in ClinVar:

ClinVar aggregate classification (germline): Benign/Likely benign. Review status: criteria provided, multiple submitters, no conflicts (2 of 4 stars). 7 submissions from 7 submitters: Benign (1); Likely benign (6). Last evaluated 2025-12-08.

Conditions:
Hereditary cancer-predisposing syndrome. Also called: Tumor predisposition; Hereditary Cancer Syndrome; Hereditary neoplastic syndrome; Neoplastic Syndromes, Hereditary. Identifiers: Orphanet 140162, MedGen C0027672, MeSH D009386, MONDO:0015356.
Familial cancer of breast. Also called: BREAST CANCER, FAMILIAL; hereditary breast carcinoma; Hereditary breast cancer. Identifiers: Orphanet 227535, MedGen C0346153, MONDO:0016419, OMIM 114480. Disease mechanism: loss of function.
Fanconi anemia complementation group J. Also called: BRIP1-Related Fanconi Anemia. Identifiers: Orphanet 84, MedGen C1836860, MONDO:0012187, OMIM 609054.

Allele frequency attached by ClinVar (database versions not stated): gnomAD exomes 0.00001; ExAC 0.00002; TOPMed 0.00003.
gnomAD v4.1: 18 of 1,613,872 alleles (0.0011%); highest among the groups gnomAD compares: East Asian, 0.0045%; no homozygotes.

Submissions (7):

Labcorp Genetics (formerly Invitae), Labcorp
Classification: Likely benign for Familial cancer of breast; Fanconi anemia complementation group J. Last evaluated: 2025-12-08. Review status: criteria provided, single submitter. Criteria: Invitae Variant Classification Sherloc (09022015). Collection method: clinical testing. Allele origin: germline.

Center for Genomic Medicine, Rigshospitalet, Copenhagen University Hospital
Classification: Likely benign. Last evaluated: 2025-03-04. Review status: criteria provided, single submitter. Criteria: ACMG Guidelines, 2015. Collection method: clinical testing. Allele origin: germline.

Myriad Genetics, Inc.
Classification: Benign for Familial cancer of breast. Last evaluated: 2024-09-10. Review status: criteria provided, single submitter. Criteria: Myriad Autosomal Dominant, Autosomal Recessive and X-Linked Classification Criteria (2023). Collection method: clinical testing. Allele origin: unknown.
Comment: This variant is considered benign. This variant is a silent/synonymous amino acid change and it is not expected to impact splicing.

Department of Pathology and Laboratory Medicine, Sinai Health System
Classification: Likely benign for Familial cancer of breast. Last evaluated: 2020-06-22. Review status: criteria provided, single submitter. Criteria: ACMG Guidelines, 2015. Collection method: clinical testing. Allele origin: germline. Affected: yes.

GeneDx
Classification: Likely benign. Last evaluated: 2019-09-16. Review status: criteria provided, single submitter. Criteria: GeneDx Variant Classification Process June 2021. Collection method: clinical testing. Allele origin: germline. Affected: yes.

Color Diagnostics, LLC DBA Color Health
Classification: Likely benign for Hereditary cancer-predisposing syndrome. Last evaluated: 2017-01-19. Review status: criteria provided, single submitter. Criteria: ACMG Guidelines, 2015. Collection method: clinical testing. Allele origin: germline.

Ambry Genetics
Classification: Likely benign for Hereditary cancer-predisposing syndrome. Last evaluated: 2014-07-22. Review status: criteria provided, single submitter. Criteria: Ambry Variant Classification Scheme 2023. Collection method: clinical testing. Allele origin: germline.

NM_032043.3(BRIP1):c.3354T>C (p.Asn1118=)

Gene: BRIP1 (BRCA1 interacting DNA helicase 1; minus strand). Cytogenetic location: 17q23.2.
Variant type: single nucleotide variant.
Coding change: c.3354T>C on transcript NM_032043.3 (MANE Select); coding-DNA position 3354, T replaced by C.
Protein change: p.Asn1118=; no amino-acid change (asparagine 1118 retained).
Molecular consequence: synonymous variant.
Genome position (GRCh38, 1-based): chr17:61,683,692, A>G on the plus strand (T>C on the coding strand, the complement: BRIP1 is on the minus strand). VCF-style: chr17-61683692-A-G. GRCh37 (hg19) VCF-style: chr17-59761053-A-G.
Identifiers: ClinVar variation 185594 (VCV000185594.26), dbSNP rs757427210, ClinGen allele CA192372.
Genomic context (GRCh38, chr17:61,683,692, plus strand): 5'-ATCATAAAGTTCAGGTGTAAAATAGATAGATTCATCTTCTGCTTCTGTTTCAAAATCTCT[A>G]TTTGAAGTGGACTGTTTATCTTCTTCACTTACTAGAGACAATTCAATGTCTGGATCCAGG-3'
Protein context (NP_114432.2, residues 1108-1128): VSEEDKQSTS[Asn1118=]RDFETEAEDE